The following is an entry in ClinVar:

NM_003383.5(VLDLR):c.807T>A (p.Asp269Glu)

Gene: VLDLR (very low density lipoprotein receptor; plus strand). Cytogenetic location: 9p24.2.
Variant type: single nucleotide variant.
Coding change: c.807T>A on transcript NM_003383.5 (MANE Select); coding-DNA position 807, T replaced by A.
Protein change: p.Asp269Glu; replaces aspartic acid 269 with glutamic acid.
Molecular consequence: missense variant.
Genome position (GRCh38, 1-based): chr9:2,643,518, T>A. VCF-style: chr9-2643518-T-A. GRCh37 (hg19) VCF-style: chr9-2643518-T-A.
Other names: c.807T>A, p.Asp269Glu (NM_001018056.3); c.684T>A, p.Asp228Glu (NM_001322225.2, NM_001322226.2); short protein forms D228E, D269E.
Identifiers: ClinVar variation 1716738 (VCV001716738.5), dbSNP rs1328095742, ClinGen allele CA372791766.
Genomic context (GRCh38, chr9:2,643,518, plus strand): 5'-CGAGTGCATCCATAAGAAGTGGCGATGTGATGGGGACCCTGACTGCAAGGATGGCAGTGA[T>A]GAGGTCAACTGTCGTAAGTAGCTTTCTAGCATGGCATGTTCAGTTCTCTTCCCTGTATCA-3'
Protein context (NP_003374.3, residues 259-279): DGDPDCKDGS[Asp269Glu]EVNCPSRTCR

ClinVar aggregate classification (germline): Uncertain significance (1 of 4 stars; one submission).

Submission:

Labcorp Genetics (formerly Invitae), Labcorp
Classification: Uncertain significance. Last evaluated: 2022-08-19. Review status: criteria provided, single submitter. Criteria: Invitae Variant Classification Sherloc (09022015). Collection method: clinical testing. Allele origin: germline.
Comment: This sequence change replaces aspartic acid, which is acidic and polar, with glutamic acid, which is acidic and polar, at codon 269 of the VLDLR protein (p.Asp269Glu). This variant is not present in population databases (gnomAD no frequency). This variant has not been reported in the literature in individuals affected with VLDLR-related conditions. Algorithms developed to predict the effect of missense changes on protein structure and function are either unavailable or do not agree on the potential impact of this missense change (SIFT: "Not Available"; PolyPhen-2: "Probably Damaging"; Align-GVGD: "Not Available"). In summary, the available evidence is currently insufficient to determine the role of this variant in disease. Therefore, it has been classified as a Variant of Uncertain Significance.